The following is an entry in ClinVar:

ClinVar aggregate classification (germline): Uncertain significance (1 of 4 stars; one submission).

Conditions:
Mevalonic aciduria (MEVA). Identifiers: Orphanet 29, MedGen C1959626, MONDO:0012481, OMIM 610377.
Porokeratosis 3, disseminated superficial actinic type (POROK3). Also called: POROKERATOSIS, DISSEMINATED SUPERFICIAL ACTINIC, 1; POROKERATOSIS 3, MIBELLI TYPE; POROKERATOSIS 3, MULTIPLE TYPES. Identifiers: MedGen C1867981, MONDO:0008293, OMIM 175900.
Hyperimmunoglobulin D with periodic fever (HIDS). Also called: HYPERIMMUNOGLOBULINEMIA D AND PERIODIC FEVER SYNDROME; Hyperimmunoglobulinemia D; Hyperimmunoglobulinemia D with periodic fever. Identifiers: Orphanet 343, MedGen C0398691, MONDO:0009849, OMIM 260920.

Submission:

Labcorp Genetics (formerly Invitae), Labcorp
Classification: Uncertain significance for Mevalonic aciduria; Hyperimmunoglobulin D with periodic fever; Porokeratosis 3, disseminated superficial actinic type. Last evaluated: 2025-12-26. Review status: criteria provided, single submitter. Criteria: Invitae Variant Classification Sherloc (09022015). Collection method: clinical testing. Allele origin: germline.
Comment: This sequence change replaces tyrosine, which is neutral and polar, with aspartic acid, which is acidic and polar, at codon 291 of the MVK protein (p.Tyr291Asp). This variant is not present in population databases (gnomAD no frequency). This missense change has been observed in individual(s) with porokeratosis (PMID: 22983302). Invitae Evidence Modeling of protein sequence and biophysical properties (such as structural, functional, and spatial information, amino acid conservation, physicochemical variation, residue mobility, and thermodynamic stability) indicates that this missense variant is expected to disrupt MVK protein function with a positive predictive value of 95%. In summary, the available evidence is currently insufficient to determine the role of this variant in disease. Therefore, it has been classified as a Variant of Uncertain Significance.

Literature cited by the submitters: PubMed 22983302.

NM_000431.4(MVK):c.871T>G (p.Tyr291Asp)

Gene: MVK (mevalonate kinase; plus strand). Cytogenetic location: 12q24.11.
Variant type: single nucleotide variant.
Coding change: c.871T>G on transcript NM_000431.4 (MANE Select); coding-DNA position 871, T replaced by G.
Protein change: p.Tyr291Asp; replaces tyrosine 291 with aspartic acid.
Molecular consequence: missense variant. On other transcripts: non-coding transcript variant (4).
Genome position (GRCh38, 1-based): chr12:109,591,343, T>G. VCF-style: chr12-109591343-T-G. GRCh37 (hg19) VCF-style: chr12-110029148-T-G.
Other names: c.871T>G, p.Tyr291Asp (NM_001114185.3, NM_001414511.1, NM_001414513.1); c.715T>G, p.Tyr239Asp (NM_001301182.2, NM_001414514.1); c.946T>G, p.Tyr316Asp (NM_001414512.1); c.289T>G, p.Tyr97Asp (NM_001414515.1); short protein forms Y239D, Y316D, Y97D, Y291D.
Identifiers: ClinVar variation 4783762 (VCV004783762.1).